The following is an entry in ClinVar:

ClinVar aggregate classification (germline): Uncertain significance. Review status: criteria provided, multiple submitters, no conflicts (2 of 4 stars). 2 submissions from 2 submitters: Uncertain significance (2). Last evaluated 2023-01-12.

Conditions:
Hereditary cancer-predisposing syndrome. Also called: Hereditary Cancer Syndrome; Hereditary neoplastic syndrome; Neoplastic Syndromes, Hereditary; Tumor predisposition. Identifiers: Orphanet 140162, MedGen C0027672, MeSH D009386, MONDO:0015356.
Hereditary nonpolyposis colorectal neoplasms. Identifiers: MedGen C0009405, MeSH D003123.

Submissions (2):

Ambry Genetics
Classification: Uncertain significance for Hereditary cancer-predisposing syndrome. Last evaluated: 2023-01-12. Review status: criteria provided, single submitter. Criteria: Ambry Variant Classification Scheme 2023. Collection method: clinical testing. Allele origin: germline.
Comment: The p.L1308V variant (also known as c.3922C>G), located in coding exon 9 of the MSH6 gene, results from a C to G substitution at nucleotide position 3922. The leucine at codon 1308 is replaced by valine, an amino acid with highly similar properties. This amino acid position is conserved. In addition, the in silico prediction for this alteration is inconclusive. Since supporting evidence is limited at this time, the clinical significance of this alteration remains unclear.

Labcorp Genetics (formerly Invitae), Labcorp
Classification: Uncertain significance for Hereditary nonpolyposis colorectal neoplasms. Last evaluated: 2022-05-04. Review status: criteria provided, single submitter. Criteria: Invitae Variant Classification Sherloc (09022015). Collection method: clinical testing. Allele origin: germline.
Comment: In summary, the available evidence is currently insufficient to determine the role of this variant in disease. Therefore, it has been classified as a Variant of Uncertain Significance. Advanced modeling of protein sequence and biophysical properties (such as structural, functional, and spatial information, amino acid conservation, physicochemical variation, residue mobility, and thermodynamic stability) performed at Invitae indicates that this missense variant is not expected to disrupt MSH6 protein function. ClinVar contains an entry for this variant (Variation ID: 1063113). This variant has not been reported in the literature in individuals affected with MSH6-related conditions. This variant is not present in population databases (gnomAD no frequency). This sequence change replaces leucine, which is neutral and non-polar, with valine, which is neutral and non-polar, at codon 1308 of the MSH6 protein (p.Leu1308Val).

NM_000179.3(MSH6):c.3922C>G (p.Leu1308Val)

Gene: MSH6 (mutS homolog 6; plus strand). Cytogenetic location: 2p16.3.
Variant type: single nucleotide variant.
Coding change: c.3922C>G on transcript NM_000179.3 (MANE Select); coding-DNA position 3922, C replaced by G.
Protein change: p.Leu1308Val; replaces leucine 1308 with valine.
Molecular consequence: missense variant.
Genome position (GRCh38, 1-based): chr2:47,806,572, C>G. VCF-style: chr2-47806572-C-G. GRCh37 (hg19) VCF-style: chr2-48033711-C-G.
Other names: c.3922C>G (NM_000179.2); c.3532C>G, p.Leu1178Val (NM_001281492.2); c.3016C>G, p.Leu1006Val (NM_001281493.2, NM_001281494.2); short protein forms L1006V, L1178V, L1308V.
Identifiers: ClinVar variation 1063113 (VCV001063113.11), dbSNP rs1670123500, ClinGen allele CA346761463.